The following is an entry in ClinVar:

ClinVar aggregate classification (germline): Uncertain significance. Review status: criteria provided, multiple submitters, no conflicts (2 of 4 stars). 5 submissions from 5 submitters: Uncertain significance (5). Last evaluated 2023-12-22.

Conditions:
Renal-hepatic-pancreatic dysplasia 1 (RHPD1). Identifiers: MedGen C3715199, MONDO:0008833, OMIM 208540.
Nephronophthisis 3 (NPHP3). Also called: Adolescent nephronophthisis. Identifiers: Orphanet 655, MedGen C1858392, MONDO:0011456, OMIM 604387.
NPHP3-related Meckel-like syndrome. Also called: GOLDSTON SYNDROME; Meckel syndrome type 7. Identifiers: Orphanet 3032, MedGen C2673885, MONDO:0009966, OMIM 267010.
NPHP3-related disorder. Also called: NPHP3-related condition; NPHP3-related disorders. Identifiers: MedGen CN379163.
Inborn genetic diseases. Identifiers: MedGen C0950123, MeSH D030342.
Nephronophthisis. Also called: Juvenile Nephronophthisis. Identifiers: Orphanet 655, MedGen C0687120, MONDO:0019005, HP:0000090.

Allele frequency attached by ClinVar (database versions not stated): gnomAD 0.00001; gnomAD exomes 0.00003 and 0.00006; ExAC 0.00004; TOPMed 0.00004; 1000 Genomes Project 30x 0.00016; 1000 Genomes Project 0.00020.
gnomAD v4.1: 22 of 1,614,084 alleles (0.0014%); highest among the groups gnomAD compares: Admixed American, 0.032%; no homozygotes.

Submissions (5):

Ambry Genetics
Classification: Uncertain significance for Inborn genetic diseases. Last evaluated: 2023-12-22. Review status: criteria provided, single submitter. Criteria: Ambry Variant Classification Scheme 2023. Collection method: clinical testing. Allele origin: germline.

Blueprint Genetics
Classification: Uncertain significance. Last evaluated: 2023-08-22. Review status: criteria provided, single submitter. Criteria: ACMG Guidelines, 2015. Collection method: clinical testing. Allele origin: germline.

PreventionGenetics, part of Exact Sciences
Classification: Uncertain significance for NPHP3-related condition. Last evaluated: 2023-01-30. Review status: criteria provided, single submitter. Criteria: ACMG Guidelines, 2015. Collection method: clinical testing. Allele origin: germline.
Comment: The NPHP3 c.3433T>C variant is predicted to result in the amino acid substitution p.Cys1145Arg. To our knowledge, this variant has not been reported in the literature. This variant is reported in 0.043% of alleles in individuals of Latino descent in gnomAD. At this time, the clinical significance of this variant is uncertain due to the absence of conclusive functional and genetic evidence.

Labcorp Genetics (formerly Invitae), Labcorp
Classification: Uncertain significance for Nephronophthisis. Last evaluated: 2022-10-05. Review status: criteria provided, single submitter. Criteria: Invitae Variant Classification Sherloc (09022015). Collection method: clinical testing. Allele origin: germline.
Comment: This sequence change replaces cysteine, which is neutral and slightly polar, with arginine, which is basic and polar, at codon 1145 of the NPHP3 protein (p.Cys1145Arg). This variant is present in population databases (rs200287294, gnomAD 0.04%). This variant has not been reported in the literature in individuals affected with NPHP3-related conditions. ClinVar contains an entry for this variant (Variation ID: 1403726). Advanced modeling of protein sequence and biophysical properties (such as structural, functional, and spatial information, amino acid conservation, physicochemical variation, residue mobility, and thermodynamic stability) performed at Invitae indicates that this missense variant is expected to disrupt NPHP3 protein function. In summary, the available evidence is currently insufficient to determine the role of this variant in disease. Therefore, it has been classified as a Variant of Uncertain Significance.

Fulgent Genetics
Classification: Uncertain significance for Renal-hepatic-pancreatic dysplasia 1; NPHP3-related Meckel-like syndrome; Nephronophthisis 3. Last evaluated: 2022-02-01. Review status: criteria provided, single submitter. Criteria: ACMG Guidelines, 2015. Collection method: clinical testing. Allele origin: unknown.

NM_153240.5(NPHP3):c.3433T>C (p.Cys1145Arg)

Genes: NPHP3 (nephrocystin 3; minus strand), NPHP3-ACAD11 (NPHP3-ACAD11 readthrough (NMD candidate); minus strand). Cytogenetic location: 3q22.1.
Variant type: single nucleotide variant.
Coding change: c.3433T>C on transcript NM_153240.5 (MANE Select); coding-DNA position 3433, T replaced by C.
Protein change: p.Cys1145Arg; replaces cysteine 1145 with arginine.
Molecular consequence: missense variant. On other transcripts: non-coding transcript variant (1).
Genome position (GRCh38, 1-based): chr3:132,684,691, A>G on the plus strand (T>C on the coding strand, the complement: NPHP3 is on the minus strand). VCF-style: chr3-132684691-A-G. GRCh37 (hg19) VCF-style: chr3-132403535-A-G.
Other names: c.3433T>C (NM_153240.4); short protein forms C1145R.
Identifiers: ClinVar variation 1403726 (VCV001403726.8), dbSNP rs200287294, ClinGen allele CA2621747.